The following is an entry in ClinVar:

NM_003846.3(PEX11B):c.361C>T (p.Gln121Ter)

Gene: PEX11B (peroxisomal biogenesis factor 11 beta; minus strand). Cytogenetic location: 1q21.1.
Variant type: single nucleotide variant.
Coding change: c.361C>T on transcript NM_003846.3 (MANE Select); coding-DNA position 361, C replaced by T.
Protein change: p.Gln121Ter; replaces glutamine 121 with a stop codon.
Molecular consequence: nonsense. On other transcripts: non-coding transcript variant (3).
Genome position (GRCh38, 1-based): chr1:145,916,830, G>A on the plus strand (C>T on the coding strand, the complement: PEX11B is on the minus strand). VCF-style: chr1-145916830-G-A. GRCh37 (hg19) VCF-style: chr1-145518259-C-T.
Other names: c.319C>T, p.Gln107Ter (NM_001184795.1); c.361C>T (NM_003846.2); short protein forms Q107*, Q121*.
Identifiers: ClinVar variation 1431664 (VCV001431664.4), dbSNP rs782365743, ClinGen allele CA1055574.

ClinVar aggregate classification (germline): Conflicting classifications of pathogenicity. Review status: criteria provided, conflicting classifications (1 of 4 stars). 3 submissions from 3 submitters: Likely pathogenic (2); Uncertain significance (1). Last evaluated 2024-06-20.

Conditions:
PEX11B-related disorder. Also called: PEX11B-related condition.
Peroxisome biogenesis disorder 14B (PEX14B). Identifiers: Orphanet 44, MedGen C3554055, MONDO:0013967, OMIM 614920.

Allele frequency attached by ClinVar (database versions not stated): gnomAD exomes 0.00001 and 0.00002; ExAC 0.00002; gnomAD 0.00002; TOPMed 0.00003.
gnomAD v4.1: 12 of 1,613,174 alleles (0.00074%); highest among the groups gnomAD compares: Admixed American, 0.013%; no homozygotes.

Submissions (3):

Laboratorio de Genetica e Diagnostico Molecular, Hospital Israelita Albert Einstein
Classification: Likely pathogenic for Peroxisome biogenesis disorder 14B. Last evaluated: 2024-06-20. Review status: criteria provided, single submitter. Criteria: ACMG Guidelines, 2015. Collection method: clinical testing. Allele origin: germline. Affected: yes.
Comment: ACMG classification criteria: PVS1 strong, PM2 supporting, PM3 supporting

PreventionGenetics, part of Exact Sciences
Classification: Likely pathogenic for PEX11B-related condition. Last evaluated: 2023-06-19. Review status: criteria provided, single submitter. Criteria: ACMG Guidelines, 2015. Collection method: clinical testing. Allele origin: germline.
Comment: The PEX11B c.361C>T variant is predicted to result in premature protein termination (p.Gln121*). To our knowledge, this variant has not been reported in the literature. This variant is reported in 0.017% of alleles in individuals of Latino descent in gnomAD. Nonsense variants in PEX11B are expected to be pathogenic. This variant is interpreted as likely pathogenic.

Labcorp Genetics (formerly Invitae), Labcorp
Classification: Uncertain significance. Last evaluated: 2022-09-27. Review status: criteria provided, single submitter. Criteria: Invitae Variant Classification Sherloc (09022015). Collection method: clinical testing. Allele origin: germline.
Comment: This sequence change creates a premature translational stop signal (p.Gln121*) in the PEX11B gene. While this is not anticipated to result in nonsense mediated decay, it is expected to disrupt the last 139 amino acid(s) of the PEX11B protein. This variant is present in population databases (rs782365743, gnomAD 0.01%). This variant has not been reported in the literature in individuals affected with PEX11B-related conditions. ClinVar contains an entry for this variant (Variation ID: 1431664). This variant disrupts a region of the PEX11B protein in which other variant(s) (p.Arg199*) have been observed in individuals with PEX11B-related conditions (PMID: 28129423). This suggests that this is a clinically significant region of the protein, and that variants that disrupt it are likely to be disease-causing. In summary, the available evidence is currently insufficient to determine the role of this variant in disease. Therefore, it has been classified as a Variant of Uncertain Significance.

Literature cited by the submitters: PubMed 28129423 (cited by Labcorp Genetics (formerly Invitae), Labcorp).